The following is an entry in ClinVar:

NM_000059.4(BRCA2):c.3071_3073del (p.Ile1024del)

Gene: BRCA2 (BRCA2 DNA repair associated; plus strand). Cytogenetic location: 13q13.1.
Variant type: Deletion.
Coding change: c.3071_3073del on transcript NM_000059.4 (MANE Select); coding-DNA positions 3071 to 3073, 3 bases deleted (TTA; older notation c.3071_3073delTTA).
Protein change: p.Ile1024del; deletes isoleucine 1024.
Molecular consequence: inframe deletion.
Genome position (GRCh38, 1-based): chr13:32,337,426-32,337,428, TTA deleted; deleting any 3 consecutive bases within chr13:32,337,425-32,337,428 gives the same sequence; the c. name uses the placement nearest the transcript's 3' end. VCF-style (leftmost placement, unchanged base first): chr13-32337424-CATT-C. GRCh37 (hg19) VCF-style: chr13-32911561-CATT-C.
Other names: c.3071_3073delTTA (NM_000059.3, NM_000059.4).
Identifiers: ClinVar variation 187582 (VCV000187582.25), dbSNP rs754836679, ClinGen allele CA017151.
Genomic context (GRCh38, chr13:32,337,424, plus strand): 5'-CAGTTTTGGAGGTAGCTTCAGAACAGCTTCAAATAAGGAAATCAAGCTCTCTGAACATAA[CATT>C]AAGAAGAGCAAAATGTTCTTCAAAGATATTGAAGAACAATATCCTACTAGTTTAGCTTGT-3'

ClinVar aggregate classification (germline): Conflicting classifications of pathogenicity. Review status: criteria provided, conflicting classifications (1 of 4 stars). 8 submissions from 8 submitters: Uncertain significance (6); Likely benign (1). 1 of the submissions does not count toward it. Last evaluated 2025-09-17.

Conditions:
Hereditary breast ovarian cancer syndrome. Also called: Hereditary breast and ovarian cancer; Hereditary breast and ovarian cancer syndrome; Breast and ovarian cancer; Hereditary breast and ovarian cancer syndrome (HBOC); Hereditary breast and/or ovarian cancer syndrome; BRCA1- and BRCA2-Associated Hereditary Breast and Ovarian Cancer. Identifiers: Orphanet 145, MedGen C0677776, MeSH D061325, MONDO:0003582. Disease mechanism: loss of function.
Hereditary cancer-predisposing syndrome. Also called: Hereditary Cancer Syndrome; Neoplastic Syndromes, Hereditary; Tumor predisposition; Hereditary neoplastic syndrome. Identifiers: Orphanet 140162, MedGen C0027672, MeSH D009386, MONDO:0015356.
Breast-ovarian cancer, familial, susceptibility to, 2 (BROVCA2). Also called: BRCA2 Hereditary Breast and Ovarian Cancer. Identifiers: Orphanet 145, MedGen C2675520, MONDO:0012933, OMIM 612555. Disease mechanism: loss of function.
Malignant tumor of breast. Also called: Cancer breast; Malignant breast neoplasm. Identifiers: MedGen C0006142, MONDO:0007254. Disease mechanism: loss of function.

Submissions (8):

Labcorp Genetics (formerly Invitae), Labcorp
Classification: Uncertain significance for Hereditary breast ovarian cancer syndrome. Last evaluated: 2025-09-17. Review status: criteria provided, single submitter. Criteria: Invitae Variant Classification Sherloc (09022015). Collection method: clinical testing. Allele origin: germline.
Comment: This variant, c.3071_3073del, results in the deletion of 1 amino acid(s) of the BRCA2 protein (p.Ile1024del), but otherwise preserves the integrity of the reading frame. This variant is present in population databases (rs754836679, gnomAD 0.0009%). This variant has not been reported in the literature in individuals affected with BRCA2-related conditions. ClinVar contains an entry for this variant (Variation ID: 187582). Experimental studies and prediction algorithms are not available or were not evaluated, and the functional significance of this variant is currently unknown. In summary, the available evidence is currently insufficient to determine the role of this variant in disease. Therefore, it has been classified as a Variant of Uncertain Significance.

Ambry Genetics
Classification: Uncertain significance for Hereditary cancer-predisposing syndrome. Last evaluated: 2025-05-09. Review status: criteria provided, single submitter. Criteria: Ambry Variant Classification Scheme 2023. Collection method: clinical testing. Allele origin: germline.
Comment: The c.3071_3073delTTA variant (also known as p.I1024del) is located in coding exon 10 of the BRCA2 gene. This variant results from an in-frame TTA deletion at nucleotide positions 3071 to 3073. This results in the in-frame deletion of an isoleucine at codon 1024. The deleted amino acid position is not well conserved in available vertebrate species. In addition, this variant is predicted to be deleterious by in silico analysis (Choi Y et al. PLoS ONE. 2012; 7(10):e46688). Since supporting evidence is limited at this time, the clinical significance of this alteration remains unclear.

Center for Genomic Medicine, Rigshospitalet, Copenhagen University Hospital
Classification: Likely benign. Last evaluated: 2025-03-04. Review status: criteria provided, single submitter. Criteria: ACMG Guidelines, 2015. Collection method: clinical testing. Allele origin: germline.

St. Jude Molecular Pathology, St. Jude Children's Research Hospital
Classification: Uncertain significance for Breast-ovarian cancer, familial, susceptibility to, 2. Last evaluated: 2023-04-14. Review status: criteria provided, single submitter. Criteria: St. Jude Assertion Criteria 2020. Collection method: clinical testing. Allele origin: germline.
Comment: The BRCA2 c.3071_3073del (p.Ile1024del) change deletes three nucleotides at position 3071-3073 resulting in an in-frame deletion of one amino acid at codon 1024 in exon 11. This change has a maximum subpopulation frequency of 0.00088% in gnomAD v2.1.1. It is absent in a database of women older than 70 years of age who have never had cancer (FLOSSIES). To our knowledge, this variant has not been reported in individuals with BRCA2-associated conditions. In summary, the evidence currently available is insufficient to determine the clinical significance of this variant. It has therefore been classified as of uncertain significance.

Color Diagnostics, LLC DBA Color Health
Classification: Uncertain significance for Hereditary cancer-predisposing syndrome. Last evaluated: 2021-12-07. Review status: criteria provided, single submitter. Criteria: ACMG Guidelines, 2015. Collection method: clinical testing. Allele origin: germline.
Comment: This variant causes an in-frame deletion of one amino acid, Isoleucine 1024, in the BRCA2 protein. A multifactorial analysis has reported co-occurrence and family history likelihood ratios for pathogenicity of 1.0246 and 0.2272, respectively (PMID: 31131967). This variant has been identified in 1/250134 chromosomes in the general population by the Genome Aggregation Database (gnomAD). The available evidence is insufficient to determine the role of this variant in disease conclusively. Therefore, this variant is classified as a Variant of Uncertain Significance.

GeneDx
Classification: Uncertain significance. Last evaluated: 2019-10-28. Review status: criteria provided, single submitter. Criteria: GeneDx Variant Classification Process June 2021. Collection method: clinical testing. Allele origin: germline. Affected: yes.
Comment: In-frame deletion of one amino acid in a non-repeat region; Not observed at a significant frequency in large population cohorts (Lek et al., 2016); In silico analysis, which includes protein predictors and evolutionary conservation, supports a deleterious effect; Also known as BRCA2 3299_3301delTTA; This variant is associated with the following publications: (PMID: 31131967)

Quest Diagnostics Nichols Institute San Juan Capistrano
Classification: Uncertain significance for Breast-ovarian cancer, familial, susceptibility to, 2. Last evaluated: 2016-03-31. Review status: criteria provided, single submitter. Criteria: Quest Diagnostics criteria. Collection method: clinical testing. Allele origin: germline. Inheritance: Autosomal dominant inheritance.

Department of Pathology and Laboratory Medicine, Sinai Health System
Classification: Uncertain significance for Malignant tumor of breast. Review status: no assertion criteria provided. Collection method: clinical testing. Allele origin: unknown. Affected: yes. Study: The Canadian Open Genetics Repository (COGR). Not counted in ClinVar's aggregate classification.
Comment: The p.Ile1024del variant was identified in the ClinVar database, it was submitted and classified as a variant of uncertain significance by Ambry Genetics. The variant was not identified in the literature, nor was it identified in any other database searches (dbSNP, NHLBI Exome Sequencing Project (Exome Variant Server), Exome Aggregation Consortium (ExAC) database, Clinvitae database, LOVD, ARUP Laboratories BRCA Mutations Database, COSMIC, BIC database, GeneInsight COGR database). The variant is an in-frame deletion resulting in the removal of an isoleucine (Ile) residue at codon 1024; the impact of this alteration on BRCA2 protein function is not known. In summary, based on the above information, the clinical significance of this variant cannot be determined with certainty at this time. This variant is classified as a variant of unknown significance.

Literature cited by the submitters: PubMed 31131967 (cited by Color Diagnostics, LLC DBA Color Health); PubMed 26295337 (cited by Quest Diagnostics Nichols Institute San Juan Capistrano).